The following is an entry in ClinVar:

ClinVar aggregate classification (germline): Likely benign (1 of 4 stars; one submission).

Allele frequency attached by ClinVar (database versions not stated): 1000 Genomes Project 0.00040; 1000 Genomes Project 30x 0.00047; gnomAD 0.00078; gnomAD exomes 0.00098; ExAC 0.00109; ESP Exome Variant Server 0.00131; TOPMed 0.00137.

Submission:

CeGaT Center for Human Genetics Tuebingen
Classification: Likely benign. Last evaluated: 2025-09-01. Review status: criteria provided, single submitter. Criteria: CeGaT Center For Human Genetics Tuebingen Variant Classification Criteria Version 2. Collection method: clinical testing. Allele origin: germline. Affected: yes. Observed: 4 variant alleles.
Comment: SETD1A: BS1

NM_014712.3(SETD1A):c.1787C>T (p.Pro596Leu)

Gene: SETD1A (SET domain containing 1A, histone lysine methyltransferase; plus strand). Cytogenetic location: 16p11.2.
Variant type: single nucleotide variant.
Coding change: c.1787C>T on transcript NM_014712.3 (MANE Select); coding-DNA position 1787, C replaced by T.
Protein change: p.Pro596Leu; replaces proline 596 with leucine.
Molecular consequence: missense variant.
Genome position (GRCh38, 1-based): chr16:30,965,668, C>T. VCF-style: chr16-30965668-C-T. GRCh37 (hg19) VCF-style: chr16-30976989-C-T.
Other names: short protein forms P596L.
Identifiers: ClinVar variation 1711405 (VCV001711405.30), dbSNP rs139187973, ClinGen allele CA8016769.